The following is an entry in ClinVar:

NM_000217.3(KCNA1):c.159G>C (p.Lys53Asn)

Gene: KCNA1 (potassium voltage-gated channel subfamily A member 1; plus strand). Cytogenetic location: 12p13.32.
Variant type: single nucleotide variant.
Coding change: c.159G>C on transcript NM_000217.3 (MANE Select); coding-DNA position 159, G replaced by C.
Protein change: p.Lys53Asn; replaces lysine 53 with asparagine.
Molecular consequence: missense variant.
Genome position (GRCh38, 1-based): chr12:4,911,537, G>C. VCF-style: chr12-4911537-G-C. GRCh37 (hg19) VCF-style: chr12-5020703-G-C.
Other names: c.159G>C (NM_000217.2); short protein forms K53N.
Identifiers: ClinVar variation 1519267 (VCV001519267.9), dbSNP rs370288610, ClinGen allele CA6399351.
Genomic context (GRCh38, chr12:4,911,537, plus strand): 5'-CGAGTGCTGCGAGCGCGTGGTGATCAACATCTCCGGGCTGCGCTTCGAGACGCAGCTCAA[G>C]ACCCTGGCGCAGTTCCCCAACACGCTGCTGGGCAACCCTAAGAAACGCATGCGCTACTTC-3'
Protein context (NP_000208.2, residues 43-63): ISGLRFETQL[Lys53Asn]TLAQFPNTLL

ClinVar aggregate classification (germline): Uncertain significance. Review status: criteria provided, multiple submitters, no conflicts (2 of 4 stars). 2 submissions from 2 submitters: Uncertain significance (2). Last evaluated 2025-08-25.

Conditions:
Inborn genetic diseases. Identifiers: MedGen C0950123, MeSH D030342.
Episodic ataxia type 1 (EA1). Also called: Episodic ataxia/myokymia syndrome; PAROXYSMAL ATAXIA WITH NEUROMYOTONIA, HEREDITARY; ATAXIA, EPISODIC, WITH MYOKYMIA; MYOKYMIA WITH PERIODIC ATAXIA. Identifiers: Orphanet 37612, Orphanet 972, MedGen C1719788, MONDO:0008047, OMIM 160120.

Allele frequency attached by ClinVar (database versions not stated): TOPMed 0.00001; ESP Exome Variant Server 0.00008.

Submissions (2):

Ambry Genetics
Classification: Uncertain significance for Inborn genetic diseases. Last evaluated: 2025-08-25. Review status: criteria provided, single submitter. Criteria: Ambry Variant Classification Scheme 2023. Collection method: clinical testing. Allele origin: germline.

Labcorp Genetics (formerly Invitae), Labcorp
Classification: Uncertain significance for Episodic ataxia type 1. Last evaluated: 2024-06-09. Review status: criteria provided, single submitter. Criteria: Invitae Variant Classification Sherloc (09022015). Collection method: clinical testing. Allele origin: germline.
Comment: This sequence change replaces lysine, which is basic and polar, with asparagine, which is neutral and polar, at codon 53 of the KCNA1 protein (p.Lys53Asn). This variant is present in population databases (rs370288610, gnomAD 0.004%). This variant has not been reported in the literature in individuals affected with KCNA1-related conditions. ClinVar contains an entry for this variant (Variation ID: 1519267). Advanced modeling of protein sequence and biophysical properties (such as structural, functional, and spatial information, amino acid conservation, physicochemical variation, residue mobility, and thermodynamic stability) performed at Invitae indicates that this missense variant is not expected to disrupt KCNA1 protein function with a negative predictive value of 80%. In summary, the available evidence is currently insufficient to determine the role of this variant in disease. Therefore, it has been classified as a Variant of Uncertain Significance.